The following is an entry in ClinVar:

NM_005751.5(AKAP9):c.3646C>T (p.Pro1216Ser)

Gene: AKAP9 (A-kinase anchoring protein 9; plus strand). Cytogenetic location: 7q21.2.
Variant type: single nucleotide variant.
Coding change: c.3646C>T on transcript NM_005751.5 (MANE Select); coding-DNA position 3646, C replaced by T.
Protein change: p.Pro1216Ser; replaces proline 1216 with serine.
Molecular consequence: missense variant.
Genome position (GRCh38, 1-based): chr7:92,016,162, C>T. VCF-style: chr7-92016162-C-T. GRCh37 (hg19) VCF-style: chr7-91645476-C-T.
Other names: c.3646C>T, p.Pro1216Ser (NM_147185.3); short protein forms P1216S.
Identifiers: ClinVar variation 3711337 (VCV003711337.2).

ClinVar aggregate classification (germline): Uncertain significance (1 of 4 stars; one submission).

Conditions:
Long QT syndrome (LQTS). Identifiers: MedGen C0023976, MeSH D008133, MONDO:0002442. Disease mechanism: loss of function. Inheritance: Various modes of inheritance.

gnomAD v4.1: 21 of 1,603,182 alleles (0.0013%); highest among the groups gnomAD compares: South Asian, 0.021%; 1 homozygote.

Submission:

Labcorp Genetics (formerly Invitae), Labcorp
Classification: Uncertain significance for Long QT syndrome. Last evaluated: 2024-10-30. Review status: criteria provided, single submitter. Criteria: Invitae Variant Classification Sherloc (09022015). Collection method: clinical testing. Allele origin: germline.
Comment: This sequence change replaces proline, which is neutral and non-polar, with serine, which is neutral and polar, at codon 1216 of the AKAP9 protein (p.Pro1216Ser). This variant is present in population databases (rs774405332, gnomAD 0.02%). This variant has not been reported in the literature in individuals affected with AKAP9-related conditions. An algorithm developed to predict the effect of missense changes on protein structure and function outputs the following: PolyPhen-2: "Benign". The serine amino acid residue is found in multiple mammalian species, which suggests that this missense change does not adversely affect protein function. In summary, the available evidence is currently insufficient to determine the role of this variant in disease. Therefore, it has been classified as a Variant of Uncertain Significance.